The following is an entry in ClinVar:

ClinVar aggregate classification (germline): Uncertain significance (1 of 4 stars; one submission).

Allele frequency attached by ClinVar (database versions not stated): gnomAD exomes below 0.00001.
gnomAD v4.1: 1 of 1,611,758 alleles (0.000062%); highest among the groups gnomAD compares: Non-Finnish European, 0.000085%; no homozygotes.

Submission:

Labcorp Genetics (formerly Invitae), Labcorp
Classification: Uncertain significance. Last evaluated: 2022-10-25. Review status: criteria provided, single submitter. Criteria: Invitae Variant Classification Sherloc (09022015). Collection method: clinical testing. Allele origin: germline.
Comment: This sequence change replaces tyrosine, which is neutral and polar, with histidine, which is basic and polar, at codon 877 of the MSH3 protein (p.Tyr877His). This variant is not present in population databases (gnomAD no frequency). This variant has not been reported in the literature in individuals affected with MSH3-related conditions. Algorithms developed to predict the effect of missense changes on protein structure and function are either unavailable or do not agree on the potential impact of this missense change (SIFT: "Deleterious"; PolyPhen-2: "Probably Damaging"; Align-GVGD: "Class C0"). In summary, the available evidence is currently insufficient to determine the role of this variant in disease. Therefore, it has been classified as a Variant of Uncertain Significance.

NM_002439.5(MSH3):c.2629T>C (p.Tyr877His)

Gene: MSH3 (mutS homolog 3; plus strand). Cytogenetic location: 5q14.1.
Variant type: single nucleotide variant.
Coding change: c.2629T>C on transcript NM_002439.5 (MANE Select); coding-DNA position 2629, T replaced by C.
Protein change: p.Tyr877His; replaces tyrosine 877 with histidine.
Molecular consequence: missense variant.
Genome position (GRCh38, 1-based): chr5:80,792,818, T>C. VCF-style: chr5-80792818-T-C. GRCh37 (hg19) VCF-style: chr5-80088637-T-C.
Other names: short protein forms Y877H.
Identifiers: ClinVar variation 2809638 (VCV002809638.3), dbSNP rs2546786821, ClinGen allele CA360273012.